The following is an entry in ClinVar:

ClinVar aggregate classification (germline): Pathogenic. Review status: criteria provided, multiple submitters, no conflicts (2 of 4 stars). 8 submissions from 8 submitters: Pathogenic (5). 3 of the submissions do not count toward it. Last evaluated 2026-04-21.

Conditions:
ABCA4-related disorder. Also called: ABCA4-related condition; ABCA4-related disorders. Identifiers: MedGen CN239167.
Retinal dystrophy. Also called: Inherited retinal dystrophy. Identifiers: Orphanet 71862, MedGen C0854723, MeSH D058499, MONDO:0019118, HP:0000556.
Stargardt disease (FFM). Also called: Fundus flavimaculatus; Stargardt's disease. Identifiers: Orphanet 827, MedGen C0271093, MONDO:0019353.
Severe early-childhood-onset retinal dystrophy (STGD1). Also called: MACULAR DYSTROPHY WITH FLECKS, TYPE 1; STGD; Stargardt macular dystrophy; Juvenile onset macular degeneration; Stargardt disease 1. Identifiers: Orphanet 364055, Orphanet 827, MedGen C1855465, MeSH D000080362, MONDO:0009549, OMIM 248200.

Allele frequency attached by ClinVar (database versions not stated): gnomAD exomes below 0.00001; TOPMed below 0.00001.
gnomAD v4.1: 8 of 1,613,852 alleles (0.0005%); highest among the groups gnomAD compares: Non-Finnish European, 0.00059%; no homozygotes.

Submissions (8):

Women's Health and Genetics/Laboratory Corporation of America, LabCorp
Classification: Pathogenic for Stargardt disease. Last evaluated: 2026-04-21. Review status: criteria provided, single submitter. Criteria: LabCorp Variant Classification Summary - May 2015. Collection method: clinical testing. Allele origin: germline.
Comment: Variant summary: ABCA4 c.5584+6T>C alters a conserved nucleotide located close to a canonical splice site and therefore could affect mRNA splicing, leading to a significantly altered protein sequence. Several computational tools predict a significant impact on normal splicing: One predicts the variant abolishes the canonical 5' splicing donor site and two predict that the variant weakens the 5' donor site. Additionally, two tools predict the variant strengthens/creates a cryptic 5' donor site. Publications report experimental evidence that this variant affects mRNA splicing, resulting in exon skipping (Sangermano_2018, Kaltak_2024). The variant allele was found at a frequency of 5.5e-06 in 1461812 control chromosomes. c.5584+6T>C has been observed in multiple individuals affected with Stargardt disease (e.g. Maugeri_1999, Bax_2015, Fujinami_2019, Jespersgaard_2019, Weisschuh_2020). These data indicate that the variant is likely to be associated with disease. The following publications have been ascertained in the context of this evaluation (PMID: 25363634, 28224992, 30718709, 38182646, 10090887, 29162642, 32531858, 29925512). ClinVar contains an entry for this variant (Variation ID: 99385). Based on the evidence outlined above, the variant was classified as pathogenic.

Labcorp Genetics (formerly Invitae), Labcorp
Classification: Pathogenic. Last evaluated: 2025-12-28. Review status: criteria provided, single submitter. Criteria: Invitae Variant Classification Sherloc (09022015). Collection method: clinical testing. Allele origin: germline.
Comment: This sequence change falls in intron 39 of the ABCA4 gene. It does not directly change the encoded amino acid sequence of the ABCA4 protein. It affects a nucleotide within the consensus splice site. This variant is not present in population databases (gnomAD no frequency). This variant has been observed in individual(s) with Stargardt disease (PMID: 25363634, 28224992, 29162642, 29925512, 30718709, 32531858). This variant is also known as IVS39+6T>C. ClinVar contains an entry for this variant (Variation ID: 99385). Variants that disrupt the consensus splice site are a relatively common cause of aberrant splicing (PMID: 17576681, 9536098). Studies have shown that this variant alters mRNA splicing and is expected to lead to the loss of protein expression (PMID: 29162642). For these reasons, this variant has been classified as Pathogenic.

Institute of Human Genetics, Univ. Regensburg, Univ. Regensburg
Classification: Pathogenic for Retinal dystrophy. Last evaluated: 2020-01-01. Review status: criteria provided, single submitter. Criteria: ACMG Guidelines, 2015. Collection method: clinical testing. Allele origin: germline. Affected: yes.

Blueprint Genetics
Classification: Pathogenic for ABCA4-related disorders. Last evaluated: 2019-10-11. Review status: criteria provided, single submitter. Criteria: ACMG Guidelines, 2015. Collection method: clinical testing. Allele origin: germline. Affected: yes. Observed: 2 variant alleles.

CeGaT Center for Human Genetics Tuebingen
Classification: Pathogenic. Last evaluated: 2018-11-01. Review status: criteria provided, single submitter. Criteria: CeGaT Center For Human Genetics Tuebingen Variant Classification Criteria Version 2. Collection method: clinical testing. Allele origin: germline. Affected: yes. Observed: 1 variant allele.

Department of Clinical Genetics, Copenhagen University Hospital, Rigshospitalet
Classification: Likely pathogenic for Stargardt disease. Last evaluated: 2018-04-01. Review status: no assertion criteria provided. Collection method: research. Allele origin: unknown. Affected: yes. Study: VeluxRD. Not counted in ClinVar's aggregate classification.

Joint Genome Diagnostic Labs from Nijmegen and Maastricht, Radboudumc and MUMC+
Classification: Uncertain significance for Severe early-childhood-onset retinal dystrophy. Last evaluated: 2016-09-01. Review status: no assertion criteria provided. Collection method: clinical testing. Allele origin: unknown. Affected: yes. Observed: 1 variant allele. Not counted in ClinVar's aggregate classification.

Retina International
No classification provided. Review status: no classification provided. Collection method: not provided. Allele origin: not provided. Not counted in ClinVar's aggregate classification.

Literature cited by the submitters: PubMed 28224992 (cited by 3 submitters); PubMed 29925512 (cited by 3 submitters); PubMed 32531858 (cited by 3 submitters); PubMed 30718709 (cited by 3 submitters); PubMed 10090887 (cited by Women's Health and Genetics/Laboratory Corporation of America, LabCorp and Institute of Human Genetics, Univ. Regensburg, Univ. Regensburg); PubMed 29162642 (cited by 3 submitters); PubMed 25363634 (cited by Women's Health and Genetics/Laboratory Corporation of America, LabCorp and Labcorp Genetics (formerly Invitae), Labcorp); PubMed 38182646 (cited by Women's Health and Genetics/Laboratory Corporation of America, LabCorp); PubMed 17576681 (cited by Labcorp Genetics (formerly Invitae), Labcorp); PubMed 9536098 (cited by Labcorp Genetics (formerly Invitae), Labcorp).

NM_000350.3(ABCA4):c.5584+6T>C

Gene: ABCA4 (ATP binding cassette subfamily A member 4; minus strand). Cytogenetic location: 1p22.1.
Variant type: single nucleotide variant.
Coding change: c.5584+6T>C on transcript NM_000350.3 (MANE Select); 6 bases into the intron after coding-DNA position 5584, T replaced by C.
Molecular consequence: intron variant.
Genome position (GRCh38, 1-based): chr1:94,011,256, A>G on the plus strand (T>C on the coding strand, the complement: ABCA4 is on the minus strand). VCF-style: chr1-94011256-A-G. GRCh37 (hg19) VCF-style: chr1-94476812-A-G.
Identifiers: ClinVar variation 99385 (VCV000099385.51), dbSNP rs61750633, ClinGen allele CA227320.